The following is an entry in ClinVar:

ClinVar aggregate classification (germline): Uncertain significance (1 of 4 stars; one submission).

Submission:

GeneDx
Classification: Uncertain significance. Last evaluated: 2022-01-20. Review status: criteria provided, single submitter. Criteria: GeneDx Variant Classification Process June 2021. Collection method: clinical testing. Allele origin: germline. Affected: yes.
Comment: Not observed at significant frequency in large population cohorts (gnomAD); In silico analysis supports that this missense variant does not alter protein structure/function; Has not been previously published as pathogenic or benign to our knowledge

NM_014991.6(WDFY3):c.4805A>G (p.Lys1602Arg)

Gene: WDFY3 (WD repeat and FYVE domain containing 3; minus strand). Cytogenetic location: 4q21.23.
Variant type: single nucleotide variant.
Coding change: c.4805A>G on transcript NM_014991.6 (MANE Select); coding-DNA position 4805, A replaced by G.
Protein change: p.Lys1602Arg; replaces lysine 1602 with arginine.
Molecular consequence: missense variant.
Genome position (GRCh38, 1-based): chr4:84,772,879, T>C on the plus strand (A>G on the coding strand, the complement: WDFY3 is on the minus strand). VCF-style: chr4-84772879-T-C. GRCh37 (hg19) VCF-style: chr4-85694032-T-C.
Other names: short protein forms K1602R.
Identifiers: ClinVar variation 1698155 (VCV001698155.2), dbSNP rs2149434271, ClinGen allele CA357546235.